The following is an entry in ClinVar:

ClinVar aggregate classification (germline): Pathogenic (1 of 4 stars; one submission).

Submission:

Labcorp Genetics (formerly Invitae), Labcorp
Classification: Pathogenic. Last evaluated: 2024-12-06. Review status: criteria provided, single submitter. Criteria: Invitae Variant Classification Sherloc (09022015). Collection method: clinical testing. Allele origin: germline.
Comment: This sequence change creates a premature translational stop signal (p.Leu550Phefs*24) in the NFKB1 gene. It is expected to result in an absent or disrupted protein product. Loss-of-function variants in NFKB1 are known to be pathogenic (PMID: 26279205, 29477724). This variant is not present in population databases (gnomAD no frequency). This variant has not been reported in the literature in individuals affected with NFKB1-related conditions. For these reasons, this variant has been classified as Pathogenic.

Literature cited by the submitters: PubMed 26279205; PubMed 29477724.

NM_003998.4(NFKB1):c.1649dup (p.Leu550fs)

Genes: NFKB1 (nuclear factor kappa B subunit 1; plus strand), LOC126807127 (CDK7 strongly-dependent group 2 enhancer GRCh37_chr4:103521788-103522987; plus strand). Cytogenetic location: 4q24.
Variant type: Duplication.
Coding change: c.1649dup on transcript NM_003998.4 (MANE Select); coding-DNA position 1649, one base duplicated (T; older notation c.1649dupT).
Protein change: p.Leu550fs; shifts the reading frame from leucine 550.
Molecular consequence: frameshift variant.
Genome position (GRCh38, 1-based): chr4:102,600,906, T duplicated; the last of 2 consecutive T bases (chr4:102,600,905-102,600,906); duplicating either gives the same sequence. VCF-style (leftmost placement, unchanged base first): chr4-102600904-C-CT. GRCh37 (hg19) VCF-style: chr4-103522061-C-CT.
Other names: c.1646dup, p.Leu549fs (NM_001165412.2, NM_001319226.2, NM_001382627.1); c.1649dup, p.Leu550fs (NM_001382625.1, NM_001382626.1); c.1607dup, p.Leu536fs (NM_001382628.1); short protein forms L549fs, L536fs, L550fs.
Identifiers: ClinVar variation 3726732 (VCV003726732.2).
Genomic context (GRCh38, chr4:102,600,904, plus strand): 5'-TCTTTTTCATTAACATTTTAGTTAATTATTGCCACTGTGTTTTCATTCCAGTGTCTTACA[C>CT]TTAGCAATCATCCACCTTCATTCTCAACTTGTGAGGGATCTACTAGAAGTCACATCTGGT-3'